The following is an entry in ClinVar:

ClinVar aggregate classification (germline): Uncertain significance (1 of 4 stars; one submission).

Conditions:
Developmental and epileptic encephalopathy, 21 (DEE21). Also called: Early infantile epileptic encephalopathy 21. Identifiers: Orphanet 442835, MedGen C4014430, MONDO:0014360, OMIM 615833.

Allele frequency attached by ClinVar (database versions not stated): TOPMed below 0.00001; gnomAD 0.00001.
gnomAD v4.1: 5 of 1,594,220 alleles (0.00031%); highest among the groups gnomAD compares: Non-Finnish European, 0.00043%; no homozygotes.

Submission:

Labcorp Genetics (formerly Invitae), Labcorp
Classification: Uncertain significance for Developmental and epileptic encephalopathy, 21. Last evaluated: 2022-07-17. Review status: criteria provided, single submitter. Criteria: Invitae Variant Classification Sherloc (09022015). Collection method: clinical testing. Allele origin: germline.
Comment: This sequence change replaces glycine, which is neutral and non-polar, with alanine, which is neutral and non-polar, at codon 181 of the NECAP1 protein (p.Gly181Ala). This variant is present in population databases (no rsID available, gnomAD 0.001%). This variant has not been reported in the literature in individuals affected with NECAP1-related conditions. Algorithms developed to predict the effect of missense changes on protein structure and function output the following: SIFT: "Not Available"; PolyPhen-2: "Benign"; Align-GVGD: "Not Available". The alanine amino acid residue is found in multiple mammalian species, which suggests that this missense change does not adversely affect protein function. In summary, the available evidence is currently insufficient to determine the role of this variant in disease. Therefore, it has been classified as a Variant of Uncertain Significance.

NM_015509.4(NECAP1):c.542G>C (p.Gly181Ala)

Gene: NECAP1 (NECAP endocytosis associated 1; plus strand). Cytogenetic location: 12p13.31.
Variant type: single nucleotide variant.
Coding change: c.542G>C on transcript NM_015509.4 (MANE Select); coding-DNA position 542, G replaced by C.
Protein change: p.Gly181Ala; replaces glycine 181 with alanine.
Molecular consequence: missense variant. On other transcripts: non-coding transcript variant (1).
Genome position (GRCh38, 1-based): chr12:8,092,921, G>C. VCF-style: chr12-8092921-G-C. GRCh37 (hg19) VCF-style: chr12-8245517-G-C.
Other names: short protein forms G181A.
Identifiers: ClinVar variation 2090911 (VCV002090911.1), dbSNP rs753415798, ClinGen allele CA383800354.